The following is an entry in ClinVar:

NM_012469.4(PRPF6):c.515G>A (p.Arg172Gln)

Gene: PRPF6 (pre-mRNA processing factor 6; plus strand). Cytogenetic location: 20q13.33.
Variant type: single nucleotide variant.
Coding change: c.515G>A on transcript NM_012469.4 (MANE Select); coding-DNA position 515, G replaced by A.
Protein change: p.Arg172Gln; replaces arginine 172 with glutamine.
Molecular consequence: missense variant.
Genome position (GRCh38, 1-based): chr20:63,994,992, G>A. VCF-style: chr20-63994992-G-A. GRCh37 (hg19) VCF-style: chr20-62626345-G-A.
Other names: short protein forms R172Q.
Identifiers: ClinVar variation 1466354 (VCV001466354.9), dbSNP rs2059135002, ClinGen allele CA409715576.

ClinVar aggregate classification (germline): Conflicting classifications of pathogenicity. Review status: criteria provided, conflicting classifications (1 of 4 stars). 4 submissions from 4 submitters: Likely pathogenic (1); Uncertain significance (3). Last evaluated 2026-01-19.

Conditions:
PRPF6-related disorder. Also called: PRPF6-related condition.
Retinal dystrophy. Also called: Inherited retinal dystrophy. Identifiers: Orphanet 71862, MedGen C0854723, MeSH D058499, MONDO:0019118, HP:0000556.

Allele frequency attached by ClinVar (database versions not stated): TOPMed below 0.00001.

Submissions (4):

Labcorp Genetics (formerly Invitae), Labcorp
Classification: Uncertain significance. Last evaluated: 2026-01-19. Review status: criteria provided, single submitter. Criteria: Invitae Variant Classification Sherloc (09022015). Collection method: clinical testing. Allele origin: germline.
Comment: This sequence change replaces arginine, which is basic and polar, with glutamine, which is neutral and polar, at codon 172 of the PRPF6 protein (p.Arg172Gln). This variant is not present in population databases (gnomAD no frequency). This missense change has been observed in individual(s) with clinical features of retinitis pigmentosa (PMID: 31054281; internal data). ClinVar contains an entry for this variant (Variation ID: 1466354). Invitae Evidence Modeling of protein sequence and biophysical properties (such as structural, functional, and spatial information, amino acid conservation, physicochemical variation, residue mobility, and thermodynamic stability) indicates that this missense variant is not expected to disrupt PRPF6 protein function with a negative predictive value of 80%. This variant disrupts the p.Arg172 amino acid residue in PRPF6. Other variant(s) that disrupt this residue have been determined to be pathogenic (PMID: 25356976; internal data). This suggests that this residue is clinically significant, and that variants that disrupt this residue are likely to be disease-causing. In summary, the available evidence is currently insufficient to determine the role of this variant in disease. Therefore, it has been classified as a Variant of Uncertain Significance.

Dept Of Ophthalmology, Nagoya University
Classification: Uncertain significance for Retinal dystrophy. Last evaluated: 2023-10-01. Review status: criteria provided, single submitter. Criteria: Submitter's publication. Collection method: research. Allele origin: germline. Affected: yes.

Blueprint Genetics
Classification: Likely pathogenic for PRPF6-related disorders. Last evaluated: 2022-08-24. Review status: criteria provided, single submitter. Criteria: ACMG Guidelines, 2015. Collection method: clinical testing. Allele origin: germline. Affected: yes. Observed: 2 variant alleles.

Breakthrough Genomics
Classification: Uncertain significance. Review status: criteria provided, single submitter. Criteria: ACMG Guidelines, 2015. Collection method: not provided. Allele origin: germline. Inheritance: Autosomal dominant inheritance. Affected: yes.

Literature cited by the submitters: PubMed 31054281 (cited by Labcorp Genetics (formerly Invitae), Labcorp); PubMed 25356976 (cited by Labcorp Genetics (formerly Invitae), Labcorp).